The following is an entry in ClinVar:

ClinVar aggregate classification (germline): Uncertain significance. Review status: criteria provided, multiple submitters, no conflicts (2 of 4 stars). 4 submissions from 4 submitters: Uncertain significance (4). Last evaluated 2025-04-23.

Conditions:
Hereditary cancer-predisposing syndrome. Also called: Neoplastic Syndromes, Hereditary; Hereditary Cancer Syndrome; Tumor predisposition; Hereditary neoplastic syndrome. Identifiers: Orphanet 140162, MedGen C0027672, MeSH D009386, MONDO:0015356.
Breast-ovarian cancer, familial, susceptibility to, 4. Identifiers: Orphanet 145, MedGen C3280345, MONDO:0013669, OMIM 614291.

Allele frequency attached by ClinVar (database versions not stated): gnomAD exomes below 0.00001; TOPMed below 0.00001.
gnomAD v4.1: 1 of 1,613,152 alleles (0.000062%); highest among the groups gnomAD compares: Non-Finnish European, 0.000085%; no homozygotes.

Submissions (4):

Dasa
Classification: Uncertain significance. Last evaluated: 2025-04-23. Review status: criteria provided, single submitter. Criteria: DASA Assertion Criteria. Collection method: clinical testing. Allele origin: germline.
Comment: NM_002878.4(RAD51D):c.559G>A (p.Gly187Ser) is a missense variant that results in the substitution of glycine with serine. This variant is rare in population databases. Computational prediction algorithms are consistent with a benign effect. The currently available literature and clinical evidence are not sufficient to establish a definitive association between this variant and the reported condition. Therefore, this variant is classified as a variant of uncertain significance.

Labcorp Genetics (formerly Invitae), Labcorp
Classification: Uncertain significance for Breast-ovarian cancer, familial, susceptibility to, 4. Last evaluated: 2024-10-21. Review status: criteria provided, single submitter. Criteria: Invitae Variant Classification Sherloc (09022015). Collection method: clinical testing. Allele origin: germline.
Comment: This sequence change replaces glycine, which is neutral and non-polar, with serine, which is neutral and polar, at codon 187 of the RAD51D protein (p.Gly187Ser). This variant is not present in population databases (gnomAD no frequency). This variant has not been reported in the literature in individuals affected with RAD51D-related conditions. ClinVar contains an entry for this variant (Variation ID: 1376524). Invitae Evidence Modeling of protein sequence and biophysical properties (such as structural, functional, and spatial information, amino acid conservation, physicochemical variation, residue mobility, and thermodynamic stability) indicates that this missense variant is not expected to disrupt RAD51D protein function with a negative predictive value of 80%. In summary, the available evidence is currently insufficient to determine the role of this variant in disease. Therefore, it has been classified as a Variant of Uncertain Significance.

Fulgent Genetics
Classification: Uncertain significance for Breast-ovarian cancer, familial, susceptibility to, 4. Last evaluated: 2024-03-17. Review status: criteria provided, single submitter. Criteria: ACMG Guidelines, 2015. Collection method: clinical testing. Allele origin: germline.

Ambry Genetics
Classification: Uncertain significance for Hereditary cancer-predisposing syndrome. Last evaluated: 2023-04-06. Review status: criteria provided, single submitter. Criteria: Ambry Variant Classification Scheme 2023. Collection method: clinical testing. Allele origin: germline.
Comment: The p.G187S variant (also known as c.559G>A), located in coding exon 6 of the RAD51D gene, results from a G to A substitution at nucleotide position 559. The glycine at codon 187 is replaced by serine, an amino acid with similar properties. This amino acid position is conserved. In addition, this alteration is predicted to be tolerated by in silico analysis. Since supporting evidence is limited at this time, the clinical significance of this alteration remains unclear.

NM_002878.4(RAD51D):c.559G>A (p.Gly187Ser)

Genes: RAD51D (RAD51 paralog D; minus strand), RAD51L3-RFFL (RAD51L3-RFFL readthrough; minus strand). Cytogenetic location: 17q12.
Variant type: single nucleotide variant.
Coding change: c.559G>A on transcript NM_002878.4 (MANE Select); coding-DNA position 559, G replaced by A.
Protein change: p.Gly187Ser; replaces glycine 187 with serine.
Molecular consequence: missense variant. On other transcripts: non-coding transcript variant (3).
Genome position (GRCh38, 1-based): chr17:35,106,403, C>T on the plus strand (G>A on the coding strand, the complement: RAD51D is on the minus strand). VCF-style: chr17-35106403-C-T. GRCh37 (hg19) VCF-style: chr17-33433422-C-T.
Other names: c.559G>A (NM_002878.3); c.619G>A, p.Gly207Ser (NM_001142571.2); c.223G>A, p.Gly75Ser (NM_133629.3); short protein forms G187S, G207S, G75S.
Identifiers: ClinVar variation 1376524 (VCV001376524.12), dbSNP rs1474938268, ClinGen allele CA399088603.